The following is an entry in ClinVar:

ClinVar aggregate classification (germline): Conflicting classifications of pathogenicity. Review status: criteria provided, conflicting classifications (1 of 4 stars). 9 submissions from 8 submitters: Uncertain significance (6); Likely benign (2). 1 of the submissions does not count toward it. Last evaluated 2026-07-29.

Conditions:
Fanconi anemia complementation group A (FANCA). Also called: FANCA-Related Fanconi Anemia; Fanconi anemia, group A. Identifiers: Orphanet 84, MedGen C3469521, MONDO:0009215, OMIM 227650.
FANCA-related disorder. Also called: FANCA-related condition.
Fanconi anemia (FA). Also called: Fanconi's anemia. Identifiers: Orphanet 84, MedGen C0015625, MeSH D005199, MONDO:0019391.

Allele frequency attached by ClinVar (database versions not stated): ESP Exome Variant Server 0.00008; gnomAD 0.00011 and 0.00013; TOPMed 0.00011; gnomAD exomes 0.00018 and 0.00022; ExAC 0.00022.
gnomAD v4.1: 337 of 1,613,904 alleles (0.021%); highest among the groups gnomAD compares: Non-Finnish European, 0.027%; no homozygotes.

Submissions (9):

PreventionGenetics, part of Exact Sciences
Classification: Uncertain significance for FANCA-related condition. Last evaluated: 2026-07-29. Review status: criteria provided, single submitter. Criteria: ACMG Guidelines, 2015. Collection method: clinical testing. Allele origin: germline.
Comment: The FANCA c.3637C>G variant is predicted to result in the amino acid substitution p.Pro1213Ala. This variant has been reported in 3 individuals with ovarian cancer and 1 control (Supplementary Table 6, Song et al. 2020. PubMed ID: 32546565). This variant is reported in 0.035% of alleles in individuals of European (Non-Finnish) descent in gnomAD and has conflicting interpretations in ClinVar ranging from likely benign to uncertain (Variation ID: 526331). Although we suspect that this variant may be benign, at this time, the clinical significance of this variant is uncertain due to the absence of conclusive functional and genetic evidence.

Labcorp Genetics (formerly Invitae), Labcorp
Classification: Likely benign for Fanconi anemia. Last evaluated: 2025-12-21. Review status: criteria provided, single submitter. Criteria: Invitae Variant Classification Sherloc (09022015). Collection method: clinical testing. Allele origin: germline.

St. Jude Molecular Pathology, St. Jude Children's Research Hospital
Classification: Uncertain significance for Fanconi anemia complementation group A. Last evaluated: 2024-08-20. Review status: criteria provided, single submitter. Criteria: St. Jude Assertion Criteria 2020. Collection method: clinical testing. Allele origin: germline.
Comment: The FANCA c.3637C>G (p.Pro1213Ala) missense change has a maximum frequency of 0.035% in gnomAD v2.1.1. The in silico tool REVEL predicts a benign effect on protein function, but to our knowledge this prediction has not been confirmed by functional studies. A case-control study of 6,385 invasive epithelial ovarian cancer patients and 6,115 controls indicated that individuals with this variant had an increased risk of developing ovarian cancer with an odds ratio of 2.87 (PMID: 32546565). To our knowledge, this variant has not been reported in individuals with Fanconi anemia. In summary, the evidence currently available is insufficient to determine the clinical significance of this variant. It has therefore been classified as of uncertain significance.

Quest Diagnostics Nichols Institute San Juan Capistrano
Classification: Likely benign. Last evaluated: 2023-03-08. Review status: criteria provided, single submitter. Criteria: Quest Diagnostics criteria. Collection method: clinical testing. Allele origin: unknown.

Institute for Clinical Genetics, University Hospital TU Dresden, University Hospital TU Dresden
Classification: Uncertain significance. Last evaluated: 2021-11-03. Review status: criteria provided, single submitter. Criteria: ACMG Guidelines, 2015. Collection method: clinical testing. Allele origin: germline.

Fulgent Genetics
Classification: Uncertain significance for Fanconi anemia complementation group A. Last evaluated: 2021-10-06. Review status: criteria provided, single submitter. Criteria: ACMG Guidelines, 2015. Collection method: clinical testing. Allele origin: unknown.

St. Jude Molecular Pathology, St. Jude Children's Research Hospital
Classification: Uncertain significance for Fanconi anemia. Last evaluated: 2021-04-22. Review status: criteria provided, single submitter. Criteria: St. Jude Assertion Criteria 2020. Collection method: clinical testing. Allele origin: germline.
Comment: The FANCA c.3637C>G (p.Pro1213Ala) missense change has a maximum frequency of 0.035% in gnomAD v2.1.1. Six of seven in silico tools predict a benign effect of this variant on protein function (BP4), but these predictions have not been confirmed by functional studies. To our knowledge, this variant has not been reported in individuals with Fanconi anemia. In summary, this variant meets criteria to be classified as of uncertain significance based on the ACMG/AMP criteria: BP4.

Illumina Laboratory Services, Illumina
Classification: Uncertain significance for Fanconi anemia complementation group A. Last evaluated: 2018-01-13. Review status: criteria provided, single submitter. Criteria: ICSL Variant Classification Criteria 13 December 2019. Collection method: clinical testing. Allele origin: germline.

Natera, Inc.
Classification: Uncertain significance for Fanconi anemia, group A. Last evaluated: 2020-09-16. Review status: no assertion criteria provided. Collection method: clinical testing. Allele origin: germline. Not counted in ClinVar's aggregate classification.

Literature cited by the submitters: PubMed 32546565 (cited by Quest Diagnostics Nichols Institute San Juan Capistrano).

NM_000135.4(FANCA):c.3637C>G (p.Pro1213Ala)

Gene: FANCA (FA complementation group A; minus strand). Cytogenetic location: 16q24.3.
Variant type: single nucleotide variant.
Coding change: c.3637C>G on transcript NM_000135.4 (MANE Select); coding-DNA position 3637, C replaced by G.
Protein change: p.Pro1213Ala; replaces proline 1213 with alanine.
Molecular consequence: missense variant.
Genome position (GRCh38, 1-based): chr16:89,742,928, G>C on the plus strand (C>G on the coding strand, the complement: FANCA is on the minus strand). VCF-style: chr16-89742928-G-C. GRCh37 (hg19) VCF-style: chr16-89809336-G-C.
Other names: c.3637C>G (NM_000135.3, LRG_495t1); c.3637C>G, p.Pro1213Ala (NM_001286167.3); short protein forms P1213A.
Identifiers: ClinVar variation 526331 (VCV000526331.22), dbSNP rs200713354, ClinGen allele CA8251038.